The following is an entry in ClinVar:

ClinVar aggregate classification (germline): Pathogenic (1 of 4 stars; one submission).

Conditions:
Bloom syndrome (BLM). Also called: Bloom-Torre-Machacek syndrome. Identifiers: Orphanet 125, MedGen C0005859, MONDO:0008876, OMIM 210900.

Submission:

Labcorp Genetics (formerly Invitae), Labcorp
Classification: Pathogenic for Bloom syndrome. Last evaluated: 2019-05-31. Review status: criteria provided, single submitter. Criteria: Invitae Variant Classification Sherloc (09022015). Collection method: clinical testing. Allele origin: germline.
Comment: This variant has not been reported in the literature in individuals with BLM-related conditions. This variant is not present in population databases (ExAC no frequency). This sequence change creates a premature translational stop signal (p.Gly693Valfs*24) in the BLM gene. It is expected to result in an absent or disrupted protein product. Loss-of-function variants in BLM are known to be pathogenic (PMID: 17407155). For these reasons, this variant has been classified as Pathogenic.

Literature cited by the submitters: PubMed 17407155.

NM_000057.4(BLM):c.2078del (p.Gly693fs)

Gene: BLM (BLM RecQ like helicase; plus strand). Cytogenetic location: 15q26.1.
Variant type: Deletion.
Coding change: c.2078del on transcript NM_000057.4 (MANE Select); coding-DNA position 2078, one base deleted (G; older notation c.2078delG).
Protein change: p.Gly693fs; shifts the reading frame from glycine 693.
Molecular consequence: frameshift variant.
Genome position (GRCh38, 1-based): chr15:90,765,299, G deleted; the last of 2 consecutive G bases (chr15:90,765,298-90,765,299); deleting either gives the same sequence. VCF-style (leftmost placement, unchanged base first): chr15-90765297-AG-A. GRCh37 (hg19) VCF-style: chr15-91308527-AG-A.
Other names: c.2078del, p.Gly693fs (NM_001287246.2, NM_001287247.2); c.953del, p.Gly318fs (NM_001287248.2); short protein forms G318fs, G693fs.
Identifiers: ClinVar variation 936207 (VCV000936207.8), dbSNP rs1896091563, ClinGen allele CA1139664167.